The following is an entry in ClinVar:

NM_032638.5(GATA2):c.1090G>A (p.Ala364Thr)

Gene: GATA2 (GATA binding protein 2; minus strand). Cytogenetic location: 3q21.3.
Variant type: single nucleotide variant.
Coding change: c.1090G>A on transcript NM_032638.5 (MANE Select); coding-DNA position 1090, G replaced by A.
Protein change: p.Ala364Thr; replaces alanine 364 with threonine.
Molecular consequence: missense variant.
Genome position (GRCh38, 1-based): chr3:128,481,872, C>T on the plus strand (G>A on the coding strand, the complement: GATA2 is on the minus strand). VCF-style: chr3-128481872-C-T. GRCh37 (hg19) VCF-style: chr3-128200715-C-T.
Other names: c.1090G>A, p.Ala364Thr (NM_001145661.2); c.1048G>A, p.Ala350Thr (NM_001145662.1); short protein forms A364T, A350T.
Identifiers: ClinVar variation 655594 (VCV000655594.10), dbSNP rs766504293, ClinGen allele CA2599871.

ClinVar aggregate classification (germline): Conflicting classifications of pathogenicity. Review status: criteria provided, conflicting classifications (1 of 4 stars). 3 submissions from 3 submitters: Uncertain significance (2); Likely benign (1). Last evaluated 2024-12-07.

Conditions:
Inborn genetic diseases. Identifiers: MedGen C0950123, MeSH D030342.
Monocytopenia with susceptibility to infections. Also called: IMMUNODEFICIENCY 21; GATA2 DEFICIENCY; MONOCYTOPENIA AND MYCOBACTERIAL INFECTION SYNDROME; MONOCYTOPENIA WITH SUSCEPTIBILITY TO MYCOBACTERIAL, FUNGAL, AND PAPILLOMAVIRUS INFECTIONS AND MYELODYSPLASIA; COMBINED IMMUNODEFICIENCY WITH SUSCEPTIBILITY TO MYCOBACTERIAL, VIRAL, AND FUNGAL INFECTIONS; Dendritic cell, monocyte, B lymphocyte, and natural killer lymphocyte deficiency. Identifiers: Orphanet 228423, MedGen C3280030, MONDO:0013607, OMIM 614172.
Deafness-lymphedema-leukemia syndrome. Also called: Lymphedema, primary, with myelodysplasia; Emberger syndrome. Identifiers: Orphanet 3226, MedGen C3279664, MONDO:0013540, OMIM 614038.

Allele frequency attached by ClinVar (database versions not stated): gnomAD 0.00001; TOPMed 0.00001; ExAC 0.00002; gnomAD exomes 0.00002.
gnomAD v4.1: 21 of 1,613,956 alleles (0.0013%); highest among the groups gnomAD compares: East Asian, 0.0067%; no homozygotes.

Submissions (3):

Labcorp Genetics (formerly Invitae), Labcorp
Classification: Uncertain significance for Monocytopenia with susceptibility to infections; Deafness-lymphedema-leukemia syndrome. Last evaluated: 2024-12-07. Review status: criteria provided, single submitter. Criteria: Invitae Variant Classification Sherloc (09022015). Collection method: clinical testing. Allele origin: germline.
Comment: This sequence change replaces alanine, which is neutral and non-polar, with threonine, which is neutral and polar, at codon 364 of the GATA2 protein (p.Ala364Thr). This variant is present in population databases (rs766504293, gnomAD 0.01%). This variant has not been reported in the literature in individuals affected with GATA2-related conditions. ClinVar contains an entry for this variant (Variation ID: 655594). Invitae Evidence Modeling of protein sequence and biophysical properties (such as structural, functional, and spatial information, amino acid conservation, physicochemical variation, residue mobility, and thermodynamic stability) has been performed for this missense variant. However, the output from this modeling did not meet the statistical confidence thresholds required to predict the impact of this variant on GATA2 protein function. In summary, the available evidence is currently insufficient to determine the role of this variant in disease. Therefore, it has been classified as a Variant of Uncertain Significance.

Ambry Genetics
Classification: Likely benign for Inborn genetic diseases. Last evaluated: 2024-08-20. Review status: criteria provided, single submitter. Criteria: Ambry Variant Classification Scheme 2023. Collection method: clinical testing. Allele origin: germline.

GeneDx
Classification: Uncertain significance. Last evaluated: 2023-04-11. Review status: criteria provided, single submitter. Criteria: GeneDx Variant Classification Process June 2021. Collection method: clinical testing. Allele origin: germline. Affected: yes.
Comment: Not observed at significant frequency in large population cohorts (gnomAD); In silico analysis supports that this missense variant does not alter protein structure/function; Has not been previously published as pathogenic or benign to our knowledge; This variant is associated with the following publications: (PMID: 28179282, 1714909, 27397505, 30936070)